The following is an entry in ClinVar:

ClinVar aggregate classification (germline): Uncertain significance. Review status: criteria provided, multiple submitters, no conflicts (2 of 4 stars). 3 submissions from 3 submitters: Uncertain significance (3). Last evaluated 2023-10-13.

Conditions:
Hereditary cancer-predisposing syndrome. Also called: Hereditary neoplastic syndrome; Hereditary Cancer Syndrome; Tumor predisposition; Neoplastic Syndromes, Hereditary. Identifiers: Orphanet 140162, MedGen C0027672, MeSH D009386, MONDO:0015356.
Familial adenomatous polyposis 1 (FAP1). Also called: POLYPOSIS, ADENOMATOUS INTESTINAL; FAMILIAL ADENOMATOUS POLYPOSIS 1, ATTENUATED. Identifiers: MedGen C2713442, MONDO:0021056, OMIM 175100. Disease mechanism: loss of function.

Submissions (3):

Labcorp Genetics (formerly Invitae), Labcorp
Classification: Uncertain significance for Familial adenomatous polyposis 1. Last evaluated: 2023-10-13. Review status: criteria provided, single submitter. Criteria: Invitae Variant Classification Sherloc (09022015). Collection method: clinical testing. Allele origin: germline.
Comment: This sequence change replaces tyrosine, which is neutral and polar, with aspartic acid, which is acidic and polar, at codon 1027 of the APC protein (p.Tyr1027Asp). This variant is not present in population databases (gnomAD no frequency). This variant has not been reported in the literature in individuals affected with APC-related conditions. ClinVar contains an entry for this variant (Variation ID: 438873). Advanced modeling of protein sequence and biophysical properties (such as structural, functional, and spatial information, amino acid conservation, physicochemical variation, residue mobility, and thermodynamic stability) performed at Invitae indicates that this missense variant is not expected to disrupt APC protein function. In summary, the available evidence is currently insufficient to determine the role of this variant in disease. Therefore, it has been classified as a Variant of Uncertain Significance.

Ambry Genetics
Classification: Uncertain significance for Hereditary cancer-predisposing syndrome. Last evaluated: 2021-11-05. Review status: criteria provided, single submitter. Criteria: Ambry Variant Classification Scheme 2023. Collection method: clinical testing. Allele origin: germline.
Comment: The p.Y1027D variant (also known as c.3079T>G), located in coding exon 15 of the APC gene, results from a T to G substitution at nucleotide position 3079. The tyrosine at codon 1027 is replaced by aspartic acid, an amino acid with highly dissimilar properties. This amino acid position is highly conserved in available vertebrate species. In addition, in silico predictors for this gene do not accurately predict pathogenicity. Since supporting evidence is limited at this time, the clinical significance of this alteration remains unclear.

Quest Diagnostics Nichols Institute San Juan Capistrano
Classification: Uncertain significance. Last evaluated: 2017-06-21. Review status: criteria provided, single submitter. Criteria: Quest Diagnostics criteria. Collection method: clinical testing. Allele origin: germline.

NM_000038.6(APC):c.3079T>G (p.Tyr1027Asp)

Gene: APC (APC regulator of Wnt signaling pathway; plus strand). Cytogenetic location: 5q22.2.
Variant type: single nucleotide variant.
Coding change: c.3079T>G on transcript NM_000038.6 (MANE Select); coding-DNA position 3079, T replaced by G.
Protein change: p.Tyr1027Asp; replaces tyrosine 1027 with aspartic acid.
Molecular consequence: missense variant.
Genome position (GRCh38, 1-based): chr5:112,838,673, T>G. VCF-style: chr5-112838673-T-G. GRCh37 (hg19) VCF-style: chr5-112174370-T-G.
Other names: c.3079T>G, p.Tyr1027Asp (NM_001127510.3, NM_001354895.2); c.3025T>G, p.Tyr1009Asp (NM_001127511.3); c.3133T>G, p.Tyr1045Asp (NM_001354896.2); c.3109T>G, p.Tyr1037Asp (NM_001354897.2); c.3004T>G, p.Tyr1002Asp (NM_001354898.2); c.2995T>G, p.Tyr999Asp (NM_001354899.2); c.2956T>G, p.Tyr986Asp (NM_001354900.2); c.2902T>G, p.Tyr968Asp (NM_001354901.2); and 5 more; short protein forms Y1009D, Y1027D, Y1002D, Y744D, Y867D, Y926D, Y936D, Y901D.
Identifiers: ClinVar variation 438873 (VCV000438873.14), dbSNP rs587781605, ClinGen allele CA16028076.